The following is an entry in ClinVar:

NM_001112741.2(KCNC1):c.1294G>A (p.Val432Met)

Gene: KCNC1 (potassium voltage-gated channel subfamily C member 1; plus strand). Cytogenetic location: 11p15.1.
Variant type: single nucleotide variant.
Coding change: c.1294G>A on transcript NM_001112741.2 (MANE Select); coding-DNA position 1294, G replaced by A.
Protein change: p.Val432Met; replaces valine 432 with methionine.
Molecular consequence: missense variant.
Genome position (GRCh38, 1-based): chr11:17,772,388, G>A. VCF-style: chr11-17772388-G-A. GRCh37 (hg19) VCF-style: chr11-17793935-G-A.
Other names: c.1294G>A, p.Val432Met (NM_004976.4); short protein forms V432M.
Identifiers: ClinVar variation 392871 (VCV000392871.16), dbSNP rs1057524670, ClinGen allele CA16606898.
Genomic context (GRCh38, chr11:17,772,388, plus strand): 5'-TCCGGCATGCTGGTGGGGGCTCTGTGTGCGCTGGCGGGCGTGCTCACCATCGCCATGCCC[G>A]TGCCCGTCATCGTGAACAATTTCGGGATGTATTACTCCTTAGCCATGGCTAAGCAGAAAC-3'
Protein context (NP_001106212.1, residues 422-442): LAGVLTIAMP[Val432Met]PVIVNNFGMY

ClinVar aggregate classification (germline): Conflicting classifications of pathogenicity. Review status: criteria provided, conflicting classifications (1 of 4 stars). 7 submissions from 7 submitters: Pathogenic (2); Likely pathogenic (1); Uncertain significance (4). Last evaluated 2025-09-11.

Conditions:
KCNC1-related disorder. Also called: KCNC1-Related Disorders; KCNC1-related condition. Identifiers: MedGen CN381541.
Inborn genetic diseases. Identifiers: MedGen C0950123, MeSH D030342.
Progressive myoclonic epilepsy type 7. Identifiers: Orphanet 435438, MedGen C4015420, MONDO:0014521, OMIM 616187.

Submissions (7):

GeneDx
Classification: Pathogenic. Last evaluated: 2025-09-11. Review status: criteria provided, single submitter. Criteria: GeneDx Variant Classification Process June 2021. Collection method: clinical testing. Allele origin: germline. Affected: yes.
Comment: In silico analysis supports that this missense variant has a deleterious effect on protein structure/function; Not observed in large population cohorts (gnomAD); This variant is associated with the following publications: (PMID: 33057194, 36419348, 35982159, 33726816)

Ambry Genetics
Classification: Pathogenic for Inborn genetic diseases. Last evaluated: 2025-06-20. Review status: criteria provided, single submitter. Criteria: Ambry Variant Classification Scheme 2023. Collection method: clinical testing. Allele origin: germline.
Comment: The c.1294G>A (p.V432M) alteration is located in exon 2 (coding exon 2) of the KCNC1 gene. This alteration results from a G to A substitution at nucleotide position 1294, causing the valine (V) at amino acid position 432 to be replaced by a methionine (M). Based on the available evidence, the KCNC1 c.1294G>A (p.V432M) alteration is classified as pathogenic for KCNC1-related neurodevelopmental disorder; however, its clinical significance for KCNC1-related progressive myoclonus epilepsy is uncertain. This variant was not reported in population-based cohorts in the Genome Aggregation Database (gnomAD). This variant was reported in individual(s) with features consistent with KCNC1-related neurodevelopmental disorder; in at least one individual, it was determined to be de novo (Clatot, 2023). This amino acid position is highly conserved in available vertebrate species. This missense alteration is located in a region that has a low rate of benign missense variation (Lek, 2016; Firth, 2009). This alteration is predicted to be deleterious by in silico analysis. Based on the available evidence, this alteration is classified as pathogenic.

PreventionGenetics, part of Exact Sciences
Classification: Likely pathogenic for KCNC1-related condition. Last evaluated: 2023-05-15. Review status: criteria provided, single submitter. Criteria: ACMG Guidelines, 2015. Collection method: clinical testing. Allele origin: germline.
Comment: The KCNC1 c.1294G>A variant is predicted to result in the amino acid substitution p.Val432Met. This variant has been reported as a de novo finding in an individual with hypotonia, mild-moderate developmental delay, mild gait ataxia, however this patient did not display seizures (Patient 2, Clatot et al. 2023. PubMed ID: 36419348). This variant was reported as a de novo finding in study of whole genome sequencing data of individuals with rare disease, however specific phenotypic information was not provided (Table S7, Stranneheim et al. 2021. PubMed ID: 33726816). Functional studies show that this variant impacts protein function (Clatot et al. 2023. PubMed ID: 36419348). This variant has not been reported in a large population database, indicating this variant is rare. Taken together, we interpret this variant as likely pathogenic.

Blueprint Genetics
Classification: Uncertain significance. Last evaluated: 2020-08-05. Review status: criteria provided, single submitter. Criteria: ACMG Guidelines, 2015. Collection method: clinical testing. Allele origin: germline.

Revvity Omics, Revvity
Classification: Uncertain significance for Progressive myoclonic epilepsy type 7. Last evaluated: 2019-08-28. Review status: criteria provided, single submitter. Criteria: ACMG Guidelines, 2015. Collection method: clinical testing. Allele origin: germline.

Juno Genomics, Hangzhou Juno Genomics, Inc
Classification: Uncertain significance for Progressive myoclonic epilepsy type 7. Review status: criteria provided, single submitter. Criteria: ACMG Guidelines, 2015. Collection method: clinical testing. Allele origin: germline. Affected: yes.
Comment: Absent from controls (or at extremely low frequency if recessive) in Genome Aggregation Database, Exome Sequencing Project, 1000 Genomes Project, or Exome Aggregation Consortium.;Missense variant in a gene that has a low rate of benign missense variation and where missense variants are a common mechanism of disease.;Multiple lines of computational evidence support a deleterious effect on the gene or gene product (conservation, evolutionary, splicing impact, etc).

Neuberg Centre For Genomic Medicine, NCGM
Classification: Uncertain significance for Progressive myoclonic epilepsy type 7. Review status: criteria provided, single submitter. Criteria: ACMG Guidelines, 2015. Collection method: clinical testing. Allele origin: germline. Inheritance: Autosomal dominant inheritance. Affected: yes.

Literature cited by the submitters: PubMed 36419348 (cited by Ambry Genetics).